The following is an entry in ClinVar:

ClinVar aggregate classification (germline): Uncertain significance (1 of 4 stars; one submission).

Allele frequency attached by ClinVar (database versions not stated): TOPMed 0.00001; ExAC 0.00003.
gnomAD v4.1: 21 of 1,607,596 alleles (0.0013%); highest among the groups gnomAD compares: East Asian, 0.0089%; no homozygotes.

Submission:

Labcorp Genetics (formerly Invitae), Labcorp
Classification: Uncertain significance. Last evaluated: 2023-10-04. Review status: criteria provided, single submitter. Criteria: Invitae Variant Classification Sherloc (09022015). Collection method: clinical testing. Allele origin: germline.
Comment: This sequence change replaces serine, which is neutral and polar, with leucine, which is neutral and non-polar, at codon 191 of the ASXL1 protein (p.Ser191Leu). This variant is present in population databases (rs779803649, gnomAD 0.006%). This variant has not been reported in the literature in individuals affected with ASXL1-related conditions. An algorithm developed to predict the effect of missense changes on protein structure and function (PolyPhen-2) suggests that this variant is likely to be tolerated. In summary, the available evidence is currently insufficient to determine the role of this variant in disease. Therefore, it has been classified as a Variant of Uncertain Significance.

NM_015338.6(ASXL1):c.572C>T (p.Ser191Leu)

Gene: ASXL1 (ASXL transcriptional regulator 1; plus strand). Cytogenetic location: 20q11.21.
Variant type: single nucleotide variant.
Coding change: c.572C>T on transcript NM_015338.6 (MANE Select); coding-DNA position 572, C replaced by T.
Protein change: p.Ser191Leu; replaces serine 191 with leucine.
Molecular consequence: missense variant. On other transcripts: intron variant (1).
Genome position (GRCh38, 1-based): chr20:32,429,907, C>T. VCF-style: chr20-32429907-C-T. GRCh37 (hg19) VCF-style: chr20-31017710-C-T.
Other names: c.535+476C>T (NM_001363734.1); short protein forms S191L.
Identifiers: ClinVar variation 2974040 (VCV002974040.3), dbSNP rs779803649, ClinGen allele CA9808138.